The following is an entry in ClinVar:

ClinVar aggregate classification (germline): Conflicting classifications of pathogenicity. Review status: criteria provided, conflicting classifications (1 of 4 stars). 6 submissions from 6 submitters: Uncertain significance (4); Likely benign (1). 1 of the submissions does not count toward it. Last evaluated 2026-10-06.

Conditions:
Cerebral arteriopathy, autosomal dominant, with subcortical infarcts and leukoencephalopathy, type 1 (CADASIL1). Also called: CADASIL 1; Cerebral arteriopathy with subcortical infarcts and leukoencephalopathy 1; CASIL; DEMENTIA, HEREDITARY MULTIINFARCT TYPE. Identifiers: Orphanet 136, MedGen C4551768, MONDO:0000914, OMIM 125310.
NOTCH3-related disorder. Also called: NOTCH3-related disorders; NOTCH3-related condition.

Allele frequency attached by ClinVar (database versions not stated): ESP Exome Variant Server 0.00008; TOPMed 0.00018; gnomAD 0.00019; gnomAD exomes 0.00019.
gnomAD v4.1: 391 of 1,551,268 alleles (0.025%); highest among the groups gnomAD compares: Non-Finnish European, 0.03%; no homozygotes.

Submissions (6):

GeneDx
Classification: Uncertain significance. Last evaluated: 2026-10-06. Review status: criteria provided, single submitter. Criteria: GeneDx Variant Classification Process June 2021. Collection method: clinical testing. Allele origin: germline.
Comment: Identified in a patient with features consistent with moyamoya angiopathy in published literature; however, segregation data was unavailable and variants in other genes were reported (PMID: 40507841); In silico analysis supports that this missense variant has a deleterious effect on protein structure/function; This variant is associated with the following publications: (PMID: 40507841)

Labcorp Genetics (formerly Invitae), Labcorp
Classification: Likely benign. Last evaluated: 2025-12-03. Review status: criteria provided, single submitter. Criteria: Invitae Variant Classification Sherloc (09022015). Collection method: clinical testing. Allele origin: germline.

CeGaT Center for Human Genetics Tuebingen
Classification: Uncertain significance. Last evaluated: 2023-12-01. Review status: criteria provided, single submitter. Criteria: CeGaT Center For Human Genetics Tuebingen Variant Classification Criteria Version 2. Collection method: clinical testing. Allele origin: germline. Affected: yes. Observed: 3 variant alleles.

ARUP Laboratories, Molecular Genetics and Genomics, ARUP Laboratories
Classification: Uncertain significance. Last evaluated: 2019-04-16. Review status: criteria provided, single submitter. Criteria: ARUP Molecular Germline Variant Investigation Process. Collection method: clinical testing. Allele origin: germline.
Comment: The NOTCH3 c.2738C>T; p.Pro913Leu variant (rs370422650), to our knowledge, is not reported in the medical literature but is reported in ClinVar (Variation ID: 328402). This variant is found in the general population with an overall allele frequency of 0.02% (36/186464 alleles) in the Genome Aggregation Database. The proline is moderately conserved, but computational analyses (SIFT, PolyPhen-2) predict that this variant is tolerated. However, given the lack of clinical and functional data, the significance of this variant is uncertain at this time.

Illumina Laboratory Services, Illumina
Classification: Uncertain significance for Cerebral arteriopathy, autosomal dominant, with subcortical infarcts and leukoencephalopathy, type 1. Last evaluated: 2018-01-12. Review status: criteria provided, single submitter. Criteria: ICSL Variant Classification Criteria 13 December 2019. Collection method: clinical testing. Allele origin: germline.

PreventionGenetics, part of Exact Sciences
Classification: Likely benign for NOTCH3-related condition. Last evaluated: 2022-05-27. Review status: no assertion criteria provided. Collection method: clinical testing. Allele origin: germline. Not counted in ClinVar's aggregate classification.
Comment: This variant is classified as likely benign based on ACMG/AMP sequence variant interpretation guidelines (Richards et al. 2015 PMID: 25741868, with internal and published modifications).

NM_000435.3(NOTCH3):c.2738C>T (p.Pro913Leu)

Gene: NOTCH3 (notch receptor 3; minus strand). Cytogenetic location: 19p13.12.
Variant type: single nucleotide variant.
Coding change: c.2738C>T on transcript NM_000435.3 (MANE Select); coding-DNA position 2738, C replaced by T.
Protein change: p.Pro913Leu; replaces proline 913 with leucine.
Molecular consequence: missense variant.
Genome position (GRCh38, 1-based): chr19:15,181,630, G>A on the plus strand (C>T on the coding strand, the complement: NOTCH3 is on the minus strand). VCF-style: chr19-15181630-G-A. GRCh37 (hg19) VCF-style: chr19-15292441-G-A.
Other names: short protein forms P913L.
Identifiers: ClinVar variation 328402 (VCV000328402.62), dbSNP rs370422650, ClinGen allele CA9263293.